The following is an entry in ClinVar:

NM_001184.4(ATR):c.2501C>T (p.Ser834Phe)

Gene: ATR (ATR checkpoint kinase; minus strand). Cytogenetic location: 3q23.
Variant type: single nucleotide variant.
Coding change: c.2501C>T on transcript NM_001184.4 (MANE Select); coding-DNA position 2501, C replaced by T.
Protein change: p.Ser834Phe; replaces serine 834 with phenylalanine.
Molecular consequence: missense variant.
Genome position (GRCh38, 1-based): chr3:142,553,856, G>A on the plus strand (C>T on the coding strand, the complement: ATR is on the minus strand). VCF-style: chr3-142553856-G-A. GRCh37 (hg19) VCF-style: chr3-142272698-G-A.
Other names: c.2309C>T, p.Ser770Phe (NM_001354579.2); short protein forms S834F, S770F.
Identifiers: ClinVar variation 2818755 (VCV002818755.3), dbSNP rs2108465123, ClinGen allele CA354816298.

ClinVar aggregate classification (germline): Uncertain significance (1 of 4 stars; one submission).

Submission:

Labcorp Genetics (formerly Invitae), Labcorp
Classification: Uncertain significance. Last evaluated: 2022-12-05. Review status: criteria provided, single submitter. Criteria: Invitae Variant Classification Sherloc (09022015). Collection method: clinical testing. Allele origin: germline.
Comment: In summary, the available evidence is currently insufficient to determine the role of this variant in disease. Therefore, it has been classified as a Variant of Uncertain Significance. Algorithms developed to predict the effect of missense changes on protein structure and function (SIFT, PolyPhen-2, Align-GVGD) all suggest that this variant is likely to be tolerated. This variant has not been reported in the literature in individuals affected with ATR-related conditions. This variant is not present in population databases (gnomAD no frequency). This sequence change replaces serine, which is neutral and polar, with phenylalanine, which is neutral and non-polar, at codon 834 of the ATR protein (p.Ser834Phe).